The following is an entry in ClinVar:

NM_001042492.3(NF1):c.4628T>C (p.Leu1543Pro)

Gene: NF1 (neurofibromin 1; plus strand). Cytogenetic location: 17q11.2.
Variant type: single nucleotide variant.
Coding change: c.4628T>C on transcript NM_001042492.3 (MANE Select); coding-DNA position 4628, T replaced by C.
Protein change: p.Leu1543Pro; replaces leucine 1543 with proline.
Molecular consequence: missense variant.
Genome position (GRCh38, 1-based): chr17:31,261,761, T>C. VCF-style: chr17-31261761-T-C. GRCh37 (hg19) VCF-style: chr17-29588779-T-C.
Other names: c.4565T>C, p.Leu1522Pro (NM_000267.4); short protein forms L1522P, L1543P.
Identifiers: ClinVar variation 1741514 (VCV001741514.5), dbSNP rs2151466308, ClinGen allele CA399000276.

ClinVar aggregate classification (germline): Uncertain significance. Review status: criteria provided, multiple submitters, no conflicts (2 of 4 stars). 2 submissions from 2 submitters: Uncertain significance (2). Last evaluated 2025-02-04.

Conditions:
Neurofibromatosis, type 1 (NF1). Also called: VON RECKLINGHAUSEN DISEASE; NEUROFIBROMATOSIS, TYPE I, SOMATIC; Neurofibromatosis, type I; Peripheral type neurofibromatosis. Identifiers: Orphanet 636, MedGen C0027831, MONDO:0018975, OMIM 162200. Disease mechanism: loss of function.
Cardiovascular phenotype. Identifiers: MedGen CN230736.
Hereditary cancer-predisposing syndrome. Also called: Neoplastic Syndromes, Hereditary; Tumor predisposition; Hereditary Cancer Syndrome; Hereditary neoplastic syndrome. Identifiers: Orphanet 140162, MedGen C0027672, MeSH D009386, MONDO:0015356.

Submissions (2):

Labcorp Genetics (formerly Invitae), Labcorp
Classification: Uncertain significance for Neurofibromatosis, type 1. Last evaluated: 2025-02-04. Review status: criteria provided, single submitter. Criteria: Invitae Variant Classification Sherloc (09022015). Collection method: clinical testing. Allele origin: germline.
Comment: This sequence change replaces leucine, which is neutral and non-polar, with proline, which is neutral and non-polar, at codon 1522 of the NF1 protein (p.Leu1522Pro). This variant is not present in population databases (gnomAD no frequency). This variant has not been reported in the literature in individuals affected with NF1-related conditions. ClinVar contains an entry for this variant (Variation ID: 1741514). Invitae Evidence Modeling of protein sequence and biophysical properties (such as structural, functional, and spatial information, amino acid conservation, physicochemical variation, residue mobility, and thermodynamic stability) indicates that this missense variant is expected to disrupt NF1 protein function with a positive predictive value of 95%. In summary, the available evidence is currently insufficient to determine the role of this variant in disease. Therefore, it has been classified as a Variant of Uncertain Significance.

Ambry Genetics
Classification: Uncertain significance for Cardiovascular phenotype; Hereditary cancer-predisposing syndrome. Last evaluated: 2021-02-22. Review status: criteria provided, single submitter. Criteria: Ambry Variant Classification Scheme 2023. Collection method: clinical testing. Allele origin: germline.
Comment: The p.L1522P variant (also known as c.4565T>C), located in coding exon 34 of the NF1 gene, results from a T to C substitution at nucleotide position 4565. The leucine at codon 1522 is replaced by proline, an amino acid with similar properties. This amino acid position is highly conserved in available vertebrate species. In addition, this alteration is predicted to be deleterious by in silico analysis. Since supporting evidence is limited at this time, the clinical significance of this alteration remains unclear.